The following is an entry in ClinVar:

ClinVar aggregate classification (germline): Uncertain significance. Review status: criteria provided, multiple submitters, no conflicts (2 of 4 stars). 2 submissions from 2 submitters: Uncertain significance (2). Last evaluated 2024-02-24.

Conditions:
Epilepsy, childhood absence, susceptibility to, 6. Identifiers: Orphanet 64280, MedGen C2749872, MONDO:0012763, OMIM 611942.
Hyperaldosteronism, familial, type IV (HALD4). Also called: FH IV; ALDOSTERONISM, PRIMARY, AND HYPERTENSION. Identifiers: Orphanet 642671, MedGen C4310756, MONDO:0014875, OMIM 617027.
Idiopathic generalized epilepsy. Also called: EIG; Generalised epilepsy. Identifiers: MedGen C0270850, MONDO:0005579, OMIM 600669.

Allele frequency attached by ClinVar (database versions not stated): gnomAD exomes below 0.00001; gnomAD 0.00001; TOPMed 0.00001; 1000 Genomes Project 30x 0.00016; 1000 Genomes Project 0.00020.
gnomAD v4.1: 5 of 1,501,866 alleles (0.00033%); highest among the groups gnomAD compares: Middle Eastern, 0.017%; no homozygotes.

Submissions (2):

Labcorp Genetics (formerly Invitae), Labcorp
Classification: Uncertain significance for Idiopathic generalized epilepsy; Hyperaldosteronism, familial, type IV. Last evaluated: 2024-02-24. Review status: criteria provided, single submitter. Criteria: Invitae Variant Classification Sherloc (09022015). Collection method: clinical testing. Allele origin: germline.
Comment: This sequence change replaces valine, which is neutral and non-polar, with methionine, which is neutral and non-polar, at codon 663 of the CACNA1H protein (p.Val663Met). This variant is not present in population databases (gnomAD no frequency). This variant has not been reported in the literature in individuals affected with CACNA1H-related conditions. ClinVar contains an entry for this variant (Variation ID: 1514900). Advanced modeling of protein sequence and biophysical properties (such as structural, functional, and spatial information, amino acid conservation, physicochemical variation, residue mobility, and thermodynamic stability) performed at Invitae indicates that this missense variant is not expected to disrupt CACNA1H protein function with a negative predictive value of 80%. In summary, the available evidence is currently insufficient to determine the role of this variant in disease. Therefore, it has been classified as a Variant of Uncertain Significance.

Fulgent Genetics
Classification: Uncertain significance for Epilepsy, childhood absence, susceptibility to, 6; Hyperaldosteronism, familial, type IV. Last evaluated: 2021-12-15. Review status: criteria provided, single submitter. Criteria: ACMG Guidelines, 2015. Collection method: clinical testing. Allele origin: unknown.

NM_021098.3(CACNA1H):c.1987G>A (p.Val663Met)

Gene: CACNA1H (calcium voltage-gated channel subunit alpha1 H; plus strand). Cytogenetic location: 16p13.3.
Variant type: single nucleotide variant.
Coding change: c.1987G>A on transcript NM_021098.3 (MANE Select); coding-DNA position 1987, G replaced by A.
Protein change: p.Val663Met; replaces valine 663 with methionine.
Molecular consequence: missense variant.
Genome position (GRCh38, 1-based): chr16:1,202,437, G>A. VCF-style: chr16-1202437-G-A. GRCh37 (hg19) VCF-style: chr16-1252437-G-A.
Other names: c.1987G>A, p.Val663Met (NM_001005407.2); short protein forms V663M.
Identifiers: ClinVar variation 1514900 (VCV001514900.9), dbSNP rs140979551, ClinGen allele CA276652240.
Genomic context (GRCh38, chr16:1,202,437, plus strand): 5'-ACCGGGGGGCACGGCCCGTTGAGCTTGAACAGCCCTGATCCCTACGAGAAGATCCCGCAT[G>A]TGGTCGGGGAGCATGGTGAGGACCCAGCCCCACCCCACGGAGGAGGCGGTGGGACCTAGG-3'
Protein context (NP_066921.2, residues 653-673): SPDPYEKIPH[Val663Met]VGEHGLGQAP